The following is an entry in ClinVar:

NM_000217.3(KCNA1):c.49G>C (p.Gly17Arg)

Gene: KCNA1 (potassium voltage-gated channel subfamily A member 1; plus strand). Cytogenetic location: 12p13.32.
Variant type: single nucleotide variant.
Coding change: c.49G>C on transcript NM_000217.3 (MANE Select); coding-DNA position 49, G replaced by C.
Protein change: p.Gly17Arg; replaces glycine 17 with arginine.
Molecular consequence: missense variant.
Genome position (GRCh38, 1-based): chr12:4,911,427, G>C. VCF-style: chr12-4911427-G-C. GRCh37 (hg19) VCF-style: chr12-5020593-G-C.
Other names: short protein forms G17R.
Identifiers: ClinVar variation 955397 (VCV000955397.9), dbSNP rs1324506346, ClinGen allele CA383453683.
Genomic context (GRCh38, chr12:4,911,427, plus strand): 5'-CCGGCTTCCACCATGACGGTGATGTCTGGGGAGAACGTGGACGAGGCTTCGGCCGCCCCG[G>C]GCCACCCCCAGGATGGCAGCTACCCCCGGCAGGCCGACCACGACGACCACGAGTGCTGCG-3'
Protein context (NP_000208.2, residues 7-27): ENVDEASAAP[Gly17Arg]HPQDGSYPRQ

ClinVar aggregate classification (germline): Uncertain significance (1 of 4 stars; one submission).

Conditions:
Episodic ataxia type 1 (EA1). Also called: MYOKYMIA WITH PERIODIC ATAXIA; Episodic ataxia/myokymia syndrome; PAROXYSMAL ATAXIA WITH NEUROMYOTONIA, HEREDITARY; ATAXIA, EPISODIC, WITH MYOKYMIA. Identifiers: Orphanet 37612, Orphanet 972, MedGen C1719788, MONDO:0008047, OMIM 160120.

Allele frequency attached by ClinVar (database versions not stated): gnomAD 0.00001; TOPMed 0.00001.

Submission:

Labcorp Genetics (formerly Invitae), Labcorp
Classification: Uncertain significance for Episodic ataxia type 1. Last evaluated: 2019-07-31. Review status: criteria provided, single submitter. Criteria: Invitae Variant Classification Sherloc (09022015). Collection method: clinical testing. Allele origin: germline.
Comment: In summary, the available evidence is currently insufficient to determine the role of this variant in disease. Therefore, it has been classified as a Variant of Uncertain Significance. Algorithms developed to predict the effect of missense changes on protein structure and function (SIFT, PolyPhen-2, Align-GVGD) all suggest that this variant is likely to be disruptive, but these predictions have not been confirmed by published functional studies and their clinical significance is uncertain. This variant has not been reported in the literature in individuals with KCNA1-related conditions. This variant is not present in population databases (ExAC no frequency). This sequence change replaces glycine with arginine at codon 17 of the KCNA1 protein (p.Gly17Arg). The glycine residue is highly conserved and there is a moderate physicochemical difference between glycine and arginine.